The following is an entry in ClinVar:

ClinVar aggregate classification (germline): Uncertain significance. Review status: criteria provided, multiple submitters, no conflicts (2 of 4 stars). 2 submissions from 2 submitters: Uncertain significance (2). Last evaluated 2025-08-22.

Allele frequency attached by ClinVar (database versions not stated): ExAC 0.00001; gnomAD exomes 0.00001; TOPMed 0.00003; gnomAD 0.00004 and 0.00005.
gnomAD v4.1: 21 of 1,613,806 alleles (0.0013%); highest among the groups gnomAD compares: African/African-American, 0.0067%; no homozygotes.

Submissions (2):

Ambry Genetics
Classification: Uncertain significance. Last evaluated: 2025-08-22. Review status: criteria provided, single submitter. Criteria: Ambry Variant Classification Scheme 2023. Collection method: clinical testing. Allele origin: germline.

Labcorp Genetics (formerly Invitae), Labcorp
Classification: Uncertain significance. Last evaluated: 2024-10-15. Review status: criteria provided, single submitter. Criteria: Invitae Variant Classification Sherloc (09022015). Collection method: clinical testing. Allele origin: germline.
Comment: This sequence change replaces serine, which is neutral and polar, with cysteine, which is neutral and slightly polar, at codon 632 of the ADGRA3 protein (p.Ser632Cys). This variant is present in population databases (rs780722256, gnomAD 0.01%). This variant has not been reported in the literature in individuals affected with ADGRA3-related conditions. ClinVar contains an entry for this variant (Variation ID: 1439454). An algorithm developed to predict the effect of missense changes on protein structure and function (PolyPhen-2) suggests that this variant is likely to be disruptive. In summary, the available evidence is currently insufficient to determine the role of this variant in disease. Therefore, it has been classified as a Variant of Uncertain Significance.

NM_145290.4(ADGRA3):c.1895C>G (p.Ser632Cys)

Gene: ADGRA3 (adhesion G protein-coupled receptor A3; minus strand). Cytogenetic location: 4p15.2.
Variant type: single nucleotide variant.
Coding change: c.1895C>G on transcript NM_145290.4 (MANE Select); coding-DNA position 1895, C replaced by G.
Protein change: p.Ser632Cys; replaces serine 632 with cysteine.
Molecular consequence: missense variant.
Genome position (GRCh38, 1-based): chr4:22,413,729, G>C on the plus strand (C>G on the coding strand, the complement: ADGRA3 is on the minus strand). VCF-style: chr4-22413729-G-C. GRCh37 (hg19) VCF-style: chr4-22415352-G-C.
Other names: c.1895C>G (NM_145290.2); short protein forms S632C.
Identifiers: ClinVar variation 1439454 (VCV001439454.9), dbSNP rs780722256, ClinGen allele CA2873792.